The following is an entry in ClinVar:

NM_177438.3(DICER1):c.5742T>C (p.Ala1914=)

Gene: DICER1 (dicer 1, ribonuclease III; minus strand). Cytogenetic location: 14q32.13.
Variant type: single nucleotide variant.
Coding change: c.5742T>C on transcript NM_177438.3 (MANE Select); coding-DNA position 5742, T replaced by C.
Protein change: p.Ala1914=; no amino-acid change (alanine 1914 retained).
Molecular consequence: synonymous variant. On other transcripts: 3 prime UTR variant (1), non-coding transcript variant (6).
Genome position (GRCh38, 1-based): chr14:95,090,525, A>G on the plus strand (T>C on the coding strand, the complement: DICER1 is on the minus strand). VCF-style: chr14-95090525-A-G. GRCh37 (hg19) VCF-style: chr14-95556862-A-G.
Other names: c.*89T>C (NM_001195573.1); c.5742T>C, p.Ala1914= (NM_001271282.3, NM_001291628.2, NM_001395677.1 and 7 more transcripts); c.5460T>C, p.Ala1820= (NM_001395686.1); c.5337T>C, p.Ala1779= (NM_001395687.1, NM_001395688.1, NM_001395689.1 and 1 more transcripts); c.5175T>C, p.Ala1725= (NM_001395691.1); c.4059T>C, p.Ala1353= (NM_001395697.1).
Identifiers: ClinVar variation 5042138 (VCV005042138.1).

ClinVar aggregate classification (germline): Benign (1 of 4 stars; one submission).

Conditions:
DICER1-related tumor predisposition. Also called: DICER1 syndrome; DICER1-related pleuropulmonary blastoma cancer predisposition syndrome. Identifiers: Orphanet 284343, MedGen C3839822, MONDO:0100216.

Submission:

Myriad Genetics, Inc.
Classification: Benign for DICER1-related tumor predisposition. Last evaluated: 2026-08-19. Review status: criteria provided, single submitter. Criteria: Myriad Autosomal Dominant, Autosomal Recessive and X-Linked Classification Criteria (2023). Collection method: clinical testing. Allele origin: unknown.
Comment: This variant is considered benign. This variant is a silent/synonymous amino acid change and it is not expected to impact splicing.